The following is an entry in ClinVar:

ClinVar aggregate classification (germline): Uncertain significance (1 of 4 stars; one submission).

gnomAD v4.1: 1 of 1,614,146 alleles (0.000062%); highest among the groups gnomAD compares: South Asian, 0.0011%; no homozygotes.

Submission:

Ambry Genetics
Classification: Uncertain significance. Last evaluated: 2025-10-14. Review status: criteria provided, single submitter. Criteria: Ambry Variant Classification Scheme 2023. Collection method: clinical testing. Allele origin: germline.
Comment: The p.T221A variant (also known as c.661A>G), located in coding exon 1 of the TET2 gene, results from an A to G substitution at nucleotide position 661. The threonine at codon 221 is replaced by alanine, an amino acid with similar properties. This amino acid position is conserved. In addition, this alteration is predicted to be tolerated by in silico analysis. Based on the available evidence, the clinical significance of this variant remains unclear.

NM_001127208.3(TET2):c.661A>G (p.Thr221Ala)

Genes: TET2 (tet methylcytosine dioxygenase 2; plus strand), TET2-AS1 (TET2 antisense RNA 1; minus strand). Cytogenetic location: 4q24.
Variant type: single nucleotide variant.
Coding change: c.661A>G on transcript NM_001127208.3 (MANE Select); coding-DNA position 661, A replaced by G.
Protein change: p.Thr221Ala; replaces threonine 221 with alanine.
Molecular consequence: missense variant.
Genome position (GRCh38, 1-based): chr4:105,234,603, A>G. VCF-style: chr4-105234603-A-G. GRCh37 (hg19) VCF-style: chr4-106155760-A-G.
Other names: c.661A>G, p.Thr221Ala (NM_017628.4); short protein forms T221A.
Identifiers: ClinVar variation 4594160 (VCV004594160.1).